The following is an entry in ClinVar:

NM_181882.3(PRX):c.3558G>C (p.Gln1186His)

Gene: PRX (periaxin; minus strand). Cytogenetic location: 19q13.2.
Variant type: single nucleotide variant.
Coding change: c.3558G>C on transcript NM_181882.3 (MANE Select); coding-DNA position 3558, G replaced by C.
Protein change: p.Gln1186His; replaces glutamine 1186 with histidine.
Molecular consequence: missense variant. On other transcripts: 3 prime UTR variant (1).
Genome position (GRCh38, 1-based): chr19:40,394,794, C>G on the plus strand (G>C on the coding strand, the complement: PRX is on the minus strand). VCF-style: chr19-40394794-C-G. GRCh37 (hg19) VCF-style: chr19-40900701-C-G.
Other names: c.3843G>C, p.Gln1281His (NM_001411127.1); c.*3763G>C (NM_020956.2); short protein forms Q1186H, Q1281H.
Identifiers: ClinVar variation 3026101 (VCV003026101.22), dbSNP rs2514799472, ClinGen allele CA405893186.
Genomic context (GRCh38, chr19:40,394,794, plus strand): 5'-CACCAGCAGCTCACCACCTGCAACCTGGGCTCCAGGCAGAGACAGGGTCACCTGGGGCAC[C>G]TGAACCCTGTAGCCTGCTGTGCCCTCTGCTGAAGGGACTGTACTCTGAGCCTGCTGCCCT-3'
Protein context (NP_870998.2, residues 1176-1196): SAEGTAGYRV[Gln1186His]VPQVTLSLPG

ClinVar aggregate classification (germline): Uncertain significance (1 of 4 stars; one submission).

Allele frequency attached by ClinVar (database versions not stated): gnomAD exomes 0.00001.
gnomAD v4.1: 3 of 1,613,648 alleles (0.00019%); highest among the groups gnomAD compares: Non-Finnish European, 0.00025%; no homozygotes.

Submission:

CeGaT Center for Human Genetics Tuebingen
Classification: Uncertain significance. Last evaluated: 2024-02-01. Review status: criteria provided, single submitter. Criteria: CeGaT Center For Human Genetics Tuebingen Variant Classification Criteria Version 2. Collection method: clinical testing. Allele origin: germline. Affected: yes. Observed: 1 variant allele.
Comment: PRX: PM2, BP4